The following is an entry in ClinVar:

ClinVar aggregate classification (germline): Pathogenic (1 of 4 stars; one submission).

Conditions:
Isovaleryl-CoA dehydrogenase deficiency (IVA). Also called: ISOVALERIC ACID CoA DEHYDROGENASE DEFICIENCY; Isovaleric acidemia; IVD DEFICIENCY; Classic Isovaleric Acidemia. Identifiers: Orphanet 33, MedGen C0268575, MONDO:0009475, OMIM 243500.

Submission:

Labcorp Genetics (formerly Invitae), Labcorp
Classification: Pathogenic for Isovaleryl-CoA dehydrogenase deficiency. Last evaluated: 2023-05-11. Review status: criteria provided, single submitter. Criteria: Invitae Variant Classification Sherloc (09022015). Collection method: clinical testing. Allele origin: germline.
Comment: For these reasons, this variant has been classified as Pathogenic. This variant has not been reported in the literature in individuals affected with IVD-related conditions. This variant is not present in population databases (gnomAD no frequency). This sequence change creates a premature translational stop signal (p.Ala227Serfs*12) in the IVD gene. It is expected to result in an absent or disrupted protein product. Loss-of-function variants in IVD are known to be pathogenic (PMID: 16602101).

Literature cited by the submitters: PubMed 16602101.

NM_002225.5(IVD):c.669dup (p.Ala224fs)

Gene: IVD (isovaleryl-CoA dehydrogenase; plus strand). Cytogenetic location: 15q15.1.
Variant type: Duplication.
Coding change: c.669dup on transcript NM_002225.5 (MANE Select); coding-DNA position 669, one base duplicated (A; older notation c.669dupA).
Protein change: p.Ala224fs; shifts the reading frame from alanine 224.
Molecular consequence: frameshift variant. On other transcripts: non-coding transcript variant (1).
Genome position (GRCh38, 1-based): chr15:40,411,673, A duplicated. VCF-style (leftmost placement, unchanged base first): chr15-40411672-C-CA. GRCh37 (hg19) VCF-style: chr15-40703871-C-CA.
Other names: c.579dup, p.Ala194fs (NM_001159508.3); c.621dup, p.Ala208fs (NM_001354597.3); c.669dup, p.Ala224fs (NM_001354598.3, NM_001354601.3); c.756dup, p.Ala253fs (NM_001354599.3, NM_001354600.3); short protein forms A208fs, A253fs, A194fs, A224fs.
Identifiers: ClinVar variation 2863128 (VCV002863128.3), dbSNP rs2542698306, ClinGen allele CA2739278817.